The following is an entry in ClinVar:

ClinVar aggregate classification (germline): Uncertain significance. Review status: criteria provided, multiple submitters, no conflicts (2 of 4 stars). 2 submissions from 2 submitters: Uncertain significance (2). Last evaluated 2025-07-11.

Conditions:
Hereditary spastic paraplegia 7 (SPG7). Also called: SPG7-related neurologic disorder; Spastic paraplegia 7; Hereditary spastic paraplegia Paraplegin type; Autosomal recessive spastic paraplegia type 7; SPASTIC PARAPLEGIA 7, AUTOSOMAL RECESSIVE, WITH OR WITHOUT CEREBELLAR ATAXIA. Identifiers: Orphanet 99013, MedGen C1846564, MONDO:0011803, OMIM 607259.
SPG7-related disorder. Also called: SPG7-related condition.

Submissions (2):

PreventionGenetics, part of Exact Sciences
Classification: Uncertain significance for SPG7-related condition. Last evaluated: 2025-07-11. Review status: criteria provided, single submitter. Criteria: ACMG Guidelines, 2015. Collection method: clinical testing. Allele origin: germline.
Comment: The SPG7 c.206C>G variant is predicted to result in the amino acid substitution p.Thr69Ser. To our knowledge, this variant has not been reported in the literature or in a large population database (gnomAD), indicating this variant is rare. At this time, the clinical significance of this variant is uncertain due to the absence of conclusive functional and genetic evidence.

Revvity Omics, Revvity
Classification: Uncertain significance for Hereditary spastic paraplegia 7. Last evaluated: 2024-03-19. Review status: criteria provided, single submitter. Criteria: ACMG Guidelines, 2015. Collection method: clinical testing. Allele origin: germline.

NM_003119.4(SPG7):c.206C>G (p.Thr69Ser)

Gene: SPG7 (SPG7 matrix AAA peptidase subunit, paraplegin; plus strand). Cytogenetic location: 16q24.3.
Variant type: single nucleotide variant.
Coding change: c.206C>G on transcript NM_003119.4 (MANE Select); coding-DNA position 206, C replaced by G.
Protein change: p.Thr69Ser; replaces threonine 69 with serine.
Molecular consequence: missense variant.
Genome position (GRCh38, 1-based): chr16:89,510,512, C>G. VCF-style: chr16-89510512-C-G. GRCh37 (hg19) VCF-style: chr16-89576920-C-G.
Other names: c.206C>G, p.Thr69Ser (NM_001363850.1, NM_199367.3); c.206C>G (NM_003119.3); short protein forms T69S.
Identifiers: ClinVar variation 4080190 (VCV004080190.2).
Genomic context (GRCh38, chr16:89,510,512, plus strand): 5'-TGGTGTGACCTCCAGTATTGTTTTTTTTTTTTTTTCAGAGCTTACAATTGAGACTGCTAA[C>G]CCCTACCTTTGAAGGGATCAACGGATTGTTGTTGAAACAACATTTAGTTCAGAATCCAGT-3'
Protein context (NP_003110.1, residues 59-79): ALQSLQLRLL[Thr69Ser]PTFEGINGLL